The following is an entry in ClinVar:

ClinVar aggregate classification (germline): Uncertain significance (1 of 4 stars; one submission).

Allele frequency attached by ClinVar (database versions not stated): gnomAD exomes below 0.00001.
gnomAD v4.1: 1 of 1,614,166 alleles (0.000062%); highest among the groups gnomAD compares: East Asian, 0.0022%; no homozygotes.

Submission:

Ambry Genetics
Classification: Uncertain significance. Last evaluated: 2023-03-17. Review status: criteria provided, single submitter. Criteria: Ambry Variant Classification Scheme 2023. Collection method: clinical testing. Allele origin: germline.
Comment: The p.D1298H variant (also known as c.3892G>C), located in coding exon 17 of the NPAT gene, results from a G to C substitution at nucleotide position 3892. The aspartic acid at codon 1298 is replaced by histidine, an amino acid with similar properties. This amino acid position is conserved. In addition, this alteration is predicted to be tolerated by in silico analysis. Since supporting evidence is limited at this time, the clinical significance of this alteration remains unclear.

NM_002519.3(NPAT):c.3892G>C (p.Asp1298His)

Gene: NPAT (nuclear protein, coactivator of histone transcription; minus strand). Cytogenetic location: 11q22.3.
Variant type: single nucleotide variant.
Coding change: c.3892G>C on transcript NM_002519.3 (MANE Select); coding-DNA position 3892, G replaced by C.
Protein change: p.Asp1298His; replaces aspartic acid 1298 with histidine.
Molecular consequence: missense variant.
Genome position (GRCh38, 1-based): chr11:108,161,194, C>G on the plus strand (G>C on the coding strand, the complement: NPAT is on the minus strand). VCF-style: chr11-108161194-C-G. GRCh37 (hg19) VCF-style: chr11-108031921-C-G.
Other names: c.3913G>C, p.Asp1305His (NM_001321307.1); short protein forms D1305H, D1298H.
Identifiers: ClinVar variation 2567950 (VCV002567950.2), dbSNP rs1272012655, ClinGen allele CA382509821.